The following is an entry in ClinVar:

ClinVar aggregate classification (germline): Uncertain significance. Review status: criteria provided, multiple submitters, no conflicts (2 of 4 stars). 3 submissions from 3 submitters: Uncertain significance (3). Last evaluated 2024-08-13.

Conditions:
Cardiomyopathy (CMYO). Also called: Cardiomyopathies. Identifiers: Orphanet 167848, MedGen C0878544, MONDO:0004994, HP:0001638. Inheritance: Various modes of inheritance.
Arrhythmogenic cardiomyopathy with wooly hair and keratoderma. Also called: Dilated cardiomyopathy with woolly hair and keratoderma; Arrhythmogenic cardiomyopathy with woolly hair and keratoderma; PALMOPLANTAR KERATODERMA WITH LEFT VENTRICULAR CARDIOMYOPATHY AND WOOLLY HAIR; Carvajal syndrome. Identifiers: Orphanet 65282, MedGen C1854063, MONDO:0011581, OMIM 605676.
Arrhythmogenic right ventricular dysplasia 8 (ARVD8). Also called: Arrhythmogenic Right Ventricular Dysplasia/Cardiomyopathy 8; ARRHYTHMOGENIC RIGHT VENTRICULAR DYSPLASIA, FAMILIAL, 8; ARRHYTHMOGENIC RIGHT VENTRICULAR CARDIOMYOPATHY 8. Identifiers: MedGen C1843896, MONDO:0011831, OMIM 607450.

Allele frequency attached by ClinVar (database versions not stated): gnomAD exomes below 0.00001.
gnomAD v4.1: 1 of 1,614,042 alleles (0.000062%); highest among the groups gnomAD compares: Non-Finnish European, 0.000085%; no homozygotes.

Submissions (3):

All of Us Research Program, National Institutes of Health
Classification: Uncertain significance for Arrhythmogenic cardiomyopathy with wooly hair and keratoderma. Last evaluated: 2024-08-13. Review status: criteria provided, single submitter. Criteria: ACMG Guidelines, 2015. Collection method: clinical testing. Allele origin: germline. Inheritance: Autosomal dominant inheritance. Observed: 1 variant allele, 1 heterozygote.
Comment: This missense variant replaces lysine with asparagine at codon 2435 of the DSP protein. Computational prediction suggests that this variant may not impact protein structure and function (internally defined REVEL score threshold <= 0.5, PMID: 27666373). Splice site prediction tools suggest that this variant may not impact RNA splicing. To our knowledge, functional studies have not been reported for this variant. This variant has not been reported in individuals affected with cardiovascular disorders in the literature. This variant has not been identified in the general population by the Genome Aggregation Database (gnomAD). The available evidence is insufficient to determine the role of this variant in disease conclusively. Therefore, this variant is classified as a Variant of Uncertain Significance.

This study involves interpretation of variants in research participants for the purpose of population health screening. Participant phenotype was not available at the time of variant classification. Additional details can be found in publication PMID: 35346344, PMCID: PMC8962531

Labcorp Genetics (formerly Invitae), Labcorp
Classification: Uncertain significance for Arrhythmogenic cardiomyopathy with wooly hair and keratoderma; Arrhythmogenic right ventricular dysplasia 8. Last evaluated: 2024-05-12. Review status: criteria provided, single submitter. Criteria: Invitae Variant Classification Sherloc (09022015). Collection method: clinical testing. Allele origin: germline.
Comment: This sequence change replaces lysine, which is basic and polar, with asparagine, which is neutral and polar, at codon 2435 of the DSP protein (p.Lys2435Asn). This variant is not present in population databases (gnomAD no frequency). This variant has not been reported in the literature in individuals affected with DSP-related conditions. ClinVar contains an entry for this variant (Variation ID: 465910). An algorithm developed to predict the effect of missense changes on protein structure and function (PolyPhen-2) suggests that this variant is likely to be disruptive. In summary, the available evidence is currently insufficient to determine the role of this variant in disease. Therefore, it has been classified as a Variant of Uncertain Significance.

Color Diagnostics, LLC DBA Color Health
Classification: Uncertain significance for Cardiomyopathy. Last evaluated: 2024-03-06. Review status: criteria provided, single submitter. Criteria: ACMG Guidelines, 2015. Collection method: clinical testing. Allele origin: germline.
Comment: This missense variant replaces lysine with asparagine at codon 2435 of the DSP protein. Computational prediction suggests that this variant may not impact protein structure and function (internally defined REVEL score threshold <= 0.5, PMID: 27666373). Splice site prediction tools suggest that this variant may not impact RNA splicing. To our knowledge, functional studies have not been reported for this variant. This variant has not been reported in individuals affected with cardiovascular disorders in the literature. This variant has not been identified in the general population by the Genome Aggregation Database (gnomAD). The available evidence is insufficient to determine the role of this variant in disease conclusively. Therefore, this variant is classified as a Variant of Uncertain Significance.

NM_004415.4(DSP):c.7305G>C (p.Lys2435Asn)

Gene: DSP (desmoplakin; plus strand). Cytogenetic location: 6p24.3.
Variant type: single nucleotide variant.
Coding change: c.7305G>C on transcript NM_004415.4 (MANE Select); coding-DNA position 7305, G replaced by C.
Protein change: p.Lys2435Asn; replaces lysine 2435 with asparagine.
Molecular consequence: missense variant.
Genome position (GRCh38, 1-based): chr6:7,584,567, G>C. VCF-style: chr6-7584567-G-C. GRCh37 (hg19) VCF-style: chr6-7584800-G-C.
Other names: c.5508G>C, p.Lys1836Asn (NM_001008844.3); c.5976G>C, p.Lys1992Asn (NM_001319034.2); c.7305G>C (LRG_423t1); short protein forms K2435N, K1836N, K1992N.
Identifiers: ClinVar variation 465910 (VCV000465910.14), dbSNP rs1554108998, ClinGen allele CA362692707.